The following is an entry in ClinVar:

ClinVar aggregate classification (germline): Uncertain significance. Review status: criteria provided, multiple submitters, no conflicts (2 of 4 stars). 3 submissions from 3 submitters: Uncertain significance (2). 1 of the submissions does not count toward it. Last evaluated 2024-11-23.

Conditions:
Hereditary cancer-predisposing syndrome. Also called: Hereditary neoplastic syndrome; Neoplastic Syndromes, Hereditary; Hereditary Cancer Syndrome; Tumor predisposition. Identifiers: Orphanet 140162, MedGen C0027672, MeSH D009386, MONDO:0015356.
Tietz syndrome (TADS). Also called: ALBINISM-DEAFNESS OF TIETZ; HYPOPIGMENTATION/DEAFNESS OF TIETZ; TIETZ ALBINISM-DEAFNESS SYNDROME. Identifiers: Orphanet 42665, MedGen C0391816, MONDO:0007077, OMIM 103500.
Waardenburg syndrome type 2A (WS2A). Also called: WAARDENBURG SYNDROME WITHOUT DYSTOPIA CANTHORUM. Identifiers: Orphanet 3440, MedGen C1860339, MONDO:0008671, OMIM 193510.
Melanoma, cutaneous malignant, susceptibility to, 8. Also called: MELANOMA AND RENAL CELL CARCINOMA, SUSCEPTIBILITY TO; Cutaneous malignant melanoma 8. Identifiers: Orphanet 293822, MedGen C3152204, MONDO:0013759, OMIM 614456.
MITF-related disorder. Also called: MITF-related condition.

gnomAD v4.1: 2 of 1,614,176 alleles (0.00012%); no homozygotes.

Submissions (3):

Ambry Genetics
Classification: Uncertain significance for Hereditary cancer-predisposing syndrome. Last evaluated: 2024-11-23. Review status: criteria provided, single submitter. Criteria: Ambry Variant Classification Scheme 2023. Collection method: clinical testing. Allele origin: germline.
Comment: The p.N55K variant (also known as c.165C>A), located in coding exon 2 of the MITF gene, results from a C to A substitution at nucleotide position 165. The asparagine at codon 55 is replaced by lysine, an amino acid with similar properties. This amino acid position is conserved. In addition, this alteration is predicted to be tolerated by in silico analysis. Based on the available evidence, the clinical significance of this variant remains unclear.

Labcorp Genetics (formerly Invitae), Labcorp
Classification: Uncertain significance for Melanoma, cutaneous malignant, susceptibility to, 8; Waardenburg syndrome type 2A; Tietz syndrome. Last evaluated: 2024-09-15. Review status: criteria provided, single submitter. Criteria: Invitae Variant Classification Sherloc (09022015). Collection method: clinical testing. Allele origin: germline.
Comment: This sequence change replaces asparagine, which is neutral and polar, with lysine, which is basic and polar, at codon 55 of the MITF protein (p.Asn55Lys). This variant is not present in population databases (gnomAD no frequency). This variant has not been reported in the literature in individuals affected with MITF-related conditions. ClinVar contains an entry for this variant (Variation ID: 1717370). Invitae Evidence Modeling of protein sequence and biophysical properties (such as structural, functional, and spatial information, amino acid conservation, physicochemical variation, residue mobility, and thermodynamic stability) indicates that this missense variant is not expected to disrupt MITF protein function with a negative predictive value of 80%. In summary, the available evidence is currently insufficient to determine the role of this variant in disease. Therefore, it has been classified as a Variant of Uncertain Significance.

PreventionGenetics, part of Exact Sciences
Classification: Uncertain significance for MITF-related condition. Last evaluated: 2024-07-31. Review status: no assertion criteria provided. Collection method: clinical testing. Allele origin: germline. Not counted in ClinVar's aggregate classification.
Comment: The MITF c.165C>A variant is predicted to result in the amino acid substitution p.Asn55Lys. To our knowledge, this variant has not been reported in the literature or in a large population database, indicating this variant is rare. At this time, the clinical significance of this variant is uncertain due to the absence of conclusive functional and genetic evidence.

NM_001354604.2(MITF):c.486C>A (p.Asn162Lys)

Gene: MITF (melanocyte inducing transcription factor; plus strand). Cytogenetic location: 3p13.
Variant type: single nucleotide variant.
Coding change: c.486C>A on transcript NM_001354604.2 (MANE Select); coding-DNA position 486, C replaced by A.
Protein change: p.Asn162Lys; replaces asparagine 162 with lysine.
Molecular consequence: missense variant. On other transcripts: intron variant (1).
Genome position (GRCh38, 1-based): chr3:69,937,953, C>A. VCF-style: chr3-69937953-C-A. GRCh37 (hg19) VCF-style: chr3-69987104-C-A.
Other names: c.165C>A, p.Asn55Lys (NM_000248.4, NM_001184968.2, NM_198158.3); c.330C>A, p.Asn110Lys (NM_001184967.2, NM_001354608.2); c.483C>A, p.Asn161Lys (NM_001354605.2, NM_001354606.2, NM_006722.3); c.435C>A, p.Asn145Lys (NM_001354607.2); c.486C>A, p.Asn162Lys (NM_198159.3); c.438C>A, p.Asn146Lys (NM_198177.3); c.93+72C>A (NM_198178.3); short protein forms N110K, N145K, N146K, N161K, N162K, N55K.
Identifiers: ClinVar variation 1717370 (VCV001717370.7), dbSNP rs2107479323, ClinGen allele CA353560542.
Genomic context (GRCh38, chr3:69,937,953, plus strand): 5'-CCTTTCTACCACTTTAGCAAATAAACATGCCAACCAAGTCCTGAGCTTGCCATGTCCAAA[C>A]CAGCCTGGCGATCATGTCATGCCACCGGTGCCGGGGAGCAGCGCACCCAACAGCCCCATG-3'
Protein context (NP_001341533.1, residues 152-172): ANQVLSLPCP[Asn162Lys]QPGDHVMPPV